The following is an entry in ClinVar:

NM_145178.4(ATOH7):c.29C>G (p.Pro10Arg)

Genes: ATOH7 (atonal bHLH transcription factor 7; minus strand), LOC130003943 (ATAC-STARR-seq lymphoblastoid silent region 2418; plus strand). Cytogenetic location: 10q21.3.
Variant type: single nucleotide variant.
Coding change: c.29C>G on transcript NM_145178.4 (MANE Select); coding-DNA position 29, C replaced by G.
Protein change: p.Pro10Arg; replaces proline 10 with arginine.
Molecular consequence: missense variant.
Genome position (GRCh38, 1-based): chr10:68,231,649, G>C on the plus strand (C>G on the coding strand, the complement: ATOH7 is on the minus strand). VCF-style: chr10-68231649-G-C. GRCh37 (hg19) VCF-style: chr10-69991406-G-C.
Other names: short protein forms P10R.
Identifiers: ClinVar variation 971608 (VCV000971608.10), dbSNP rs1210927746, ClinGen allele CA376837910.

ClinVar aggregate classification (germline): Uncertain significance (1 of 4 stars; one submission).

Submission:

Labcorp Genetics (formerly Invitae), Labcorp
Classification: Uncertain significance. Last evaluated: 2020-02-22. Review status: criteria provided, single submitter. Criteria: Invitae Variant Classification Sherloc (09022015). Collection method: clinical testing. Allele origin: germline.
Comment: In summary, the available evidence is currently insufficient to determine the role of this variant in disease. Therefore, it has been classified as a Variant of Uncertain Significance. Algorithms developed to predict the effect of missense changes on protein structure and function (SIFT, PolyPhen-2, Align-GVGD) all suggest that this variant is likely to be tolerated, but these predictions have not been confirmed by published functional studies and their clinical significance is uncertain. This variant has not been reported in the literature in individuals with ATOH7-related conditions. The frequency data for this variant in the population databases is considered unreliable, as metrics indicate insufficient coverage at this position in the ExAC database. This sequence change replaces proline with arginine at codon 10 of the ATOH7 protein (p.Pro10Arg). The proline residue is weakly conserved and there is a moderate physicochemical difference between proline and arginine.